The following is an entry in ClinVar:

ClinVar aggregate classification (germline): Likely pathogenic (1 of 4 stars; one submission).

gnomAD v4.1: 4 of 1,572,716 alleles (0.00025%); highest among the groups gnomAD compares: Non-Finnish European, 0.00035%; no homozygotes.

Submission:

Labcorp Genetics (formerly Invitae), Labcorp
Classification: Likely pathogenic. Last evaluated: 2026-02-01. Review status: criteria provided, single submitter. Criteria: Invitae Variant Classification Sherloc (09022015). Collection method: clinical testing. Allele origin: germline.
Comment: This sequence change affects a donor splice site in intron 6 of the DNAH9 gene. It is expected to disrupt RNA splicing. Variants that disrupt the donor or acceptor splice site typically lead to a loss of protein function (PMID: 16199547), and loss-of-function variants in DNAH9 are known to be pathogenic (PMID: 30471718). This variant is not present in population databases (gnomAD no frequency). This variant has not been reported in the literature in individuals affected with DNAH9-related conditions. Algorithms developed to predict the effect of sequence changes on RNA splicing suggest that this variant may disrupt the consensus splice site. In summary, the currently available evidence indicates that the variant is pathogenic, but additional data are needed to prove that conclusively. Therefore, this variant has been classified as Likely Pathogenic.

Literature cited by the submitters: PubMed 16199547; PubMed 30471718.

NM_001372.4(DNAH9):c.1350+1G>T

Gene: DNAH9 (dynein axonemal heavy chain 9; plus strand). Cytogenetic location: 17p12.
Variant type: single nucleotide variant.
Coding change: c.1350+1G>T on transcript NM_001372.4 (MANE Select); the canonical splice donor site of the intron after coding-DNA position 1350, G replaced by T.
Molecular consequence: splice donor variant.
Genome position (GRCh38, 1-based): chr17:11,619,782, G>T. VCF-style: chr17-11619782-G-T. GRCh37 (hg19) VCF-style: chr17-11523099-G-T.
Identifiers: ClinVar variation 4706153 (VCV004706153.1).